The following is an entry in ClinVar:

ClinVar aggregate classification (germline): Likely benign. Review status: criteria provided, single submitter (1 of 4 stars). 2 submissions from 2 submitters: Likely benign (1). 1 of the submissions does not count toward it. Last evaluated 2025-09-03.

Conditions:
CACNA1H-related disorder.
Idiopathic generalized epilepsy. Also called: Generalised epilepsy; EIG. Identifiers: MedGen C0270850, MONDO:0005579, OMIM 600669.
Hyperaldosteronism, familial, type IV (HALD4). Also called: FH IV; ALDOSTERONISM, PRIMARY, AND HYPERTENSION. Identifiers: Orphanet 642671, MedGen C4310756, MONDO:0014875, OMIM 617027.

Allele frequency attached by ClinVar (database versions not stated): TOPMed 0.00003; gnomAD 0.00001.
gnomAD v4.1: 44 of 1,611,614 alleles (0.0027%); highest among the groups gnomAD compares: Non-Finnish European, 0.0034%; no homozygotes.

Submissions (2):

Labcorp Genetics (formerly Invitae), Labcorp
Classification: Likely benign for Idiopathic generalized epilepsy; Hyperaldosteronism, familial, type IV. Last evaluated: 2025-09-03. Review status: criteria provided, single submitter. Criteria: Invitae Variant Classification Sherloc (09022015). Collection method: clinical testing. Allele origin: germline.

PreventionGenetics, part of Exact Sciences
Classification: Likely benign for CACNA1H-related condition. Last evaluated: 2021-09-30. Review status: no assertion criteria provided. Collection method: clinical testing. Allele origin: germline. Not counted in ClinVar's aggregate classification.
Comment: This variant is classified as likely benign based on ACMG/AMP sequence variant interpretation guidelines (Richards et al. 2015 PMID: 25741868, with internal and published modifications).

NM_021098.3(CACNA1H):c.5124C>A (p.Pro1708=)

Gene: CACNA1H (calcium voltage-gated channel subunit alpha1 H; plus strand). Cytogenetic location: 16p13.3.
Variant type: single nucleotide variant.
Coding change: c.5124C>A on transcript NM_021098.3 (MANE Select); coding-DNA position 5124, C replaced by A.
Protein change: p.Pro1708=; no amino-acid change (proline 1708 retained).
Molecular consequence: synonymous variant.
Genome position (GRCh38, 1-based): chr16:1,215,326, C>A. VCF-style: chr16-1215326-C-A. GRCh37 (hg19) VCF-style: chr16-1265326-C-A.
Other names: c.5106C>A, p.Pro1702= (NM_001005407.2).
Identifiers: ClinVar variation 745022 (VCV000745022.12), dbSNP rs765715871, ClinGen allele CA7801802.